The following is an entry in ClinVar:

NM_001605.3(AARS1):c.1992+6A>G

Gene: AARS1 (alanyl-tRNA synthetase 1; minus strand). Cytogenetic location: 16q22.1.
Variant type: single nucleotide variant.
Coding change: c.1992+6A>G on transcript NM_001605.3 (MANE Select); 6 bases into the intron after coding-DNA position 1992, A replaced by G.
Molecular consequence: intron variant.
Genome position (GRCh38, 1-based): chr16:70,258,974, T>C on the plus strand (A>G on the coding strand, the complement: AARS1 is on the minus strand). VCF-style: chr16-70258974-T-C. GRCh37 (hg19) VCF-style: chr16-70292877-T-C.
Identifiers: ClinVar variation 3621898 (VCV003621898.2).
Genomic context (GRCh38, chr16:70,258,974, plus strand): 5'-TGCTAAGACTGTGGACAGACAGTGACGGTGTGGGGAGGGGGGGCATTCAGCCGTCGCCCA[T>C]CCTACCTTGGCTGCCTCAATCATCTCATTAGCAATCTCTTCAGCCTTCTTGATCTGTTGG-3'

ClinVar aggregate classification (germline): Uncertain significance (1 of 4 stars; one submission).

Conditions:
Charcot-Marie-Tooth disease type 2. Also called: Charcot-Marie-Tooth type 2. Identifiers: Orphanet 64746, MedGen C0270914, MONDO:0018993.

gnomAD v4.1: 1 of 1,614,086 alleles (0.000062%); highest among the groups gnomAD compares: Non-Finnish European, 0.000085%; no homozygotes.

Submission:

Labcorp Genetics (formerly Invitae), Labcorp
Classification: Uncertain significance for Charcot-Marie-Tooth disease type 2. Last evaluated: 2024-03-28. Review status: criteria provided, single submitter. Criteria: Invitae Variant Classification Sherloc (09022015). Collection method: clinical testing. Allele origin: germline.
Comment: This sequence change falls in intron 14 of the AARS gene. It does not directly change the encoded amino acid sequence of the AARS protein. It affects a nucleotide within the consensus splice site. This variant is not present in population databases (gnomAD no frequency). This variant has not been reported in the literature in individuals affected with AARS-related conditions. Variants that disrupt the consensus splice site are a relatively common cause of aberrant splicing (PMID: 17576681, 9536098). Algorithms developed to predict the effect of sequence changes on RNA splicing suggest that this variant is not likely to affect RNA splicing. In summary, the available evidence is currently insufficient to determine the role of this variant in disease. Therefore, it has been classified as a Variant of Uncertain Significance.

Literature cited by the submitters: PubMed 17576681; PubMed 9536098.